The following is an entry in ClinVar:

ClinVar aggregate classification (germline): Uncertain significance. Review status: criteria provided, single submitter (1 of 4 stars). 2 submissions from 2 submitters: Uncertain significance (1). 1 of the submissions does not count toward it. Last evaluated 2019-10-31.

Conditions:
Predisposition to invasive fungal disease due to CARD9 deficiency (IMD103). Also called: IMMUNODEFICIENCY 103, SUSCEPTIBILITY TO FUNGAL INFECTIONS; Candidiasis, familial, 2, autosomal recessive; CARD9 IMMUNODEFICIENCY. Identifiers: Orphanet 457088, MedGen C1859353, MONDO:0008905, OMIM 212050.

Allele frequency attached by ClinVar (database versions not stated): TOPMed below 0.00001; gnomAD 0.00001; gnomAD exomes 0.00001.
gnomAD v4.1: 8 of 1,547,768 alleles (0.00052%); highest among the groups gnomAD compares: South Asian, 0.0023%; no homozygotes.

Submissions (2):

Labcorp Genetics (formerly Invitae), Labcorp
Classification: Uncertain significance for Predisposition to invasive fungal disease due to CARD9 deficiency. Last evaluated: 2019-10-31. Review status: criteria provided, single submitter. Criteria: Invitae Variant Classification Sherloc (09022015). Collection method: clinical testing. Allele origin: germline.
Comment: In summary, the available evidence is currently insufficient to determine the role of this variant in disease. Therefore, it has been classified as a Variant of Uncertain Significance. This variant has been reported to affect CARD9 protein function (PMID: 23335372). This variant has been observed in individual(s) with chronic Candida meningoencephalitis (PMID: 23335372). ClinVar contains an entry for this variant (Variation ID: 88850). This variant is not present in population databases (ExAC no frequency). This sequence change replaces glycine with serine at codon 72 of the CARD9 protein (p.Gly72Ser). The glycine residue is highly conserved and there is a small physicochemical difference between glycine and serine.

OMIM
Classification: risk factor for IMMUNODEFICIENCY 103, SUSCEPTIBILITY TO FUNGAL INFECTIONS. Last evaluated: 2013-03-28. Review status: no assertion criteria provided. Collection method: literature only. Allele origin: germline. Not counted in ClinVar's aggregate classification.

Literature cited by the submitters: PubMed 23335372 (cited by Labcorp Genetics (formerly Invitae), Labcorp and OMIM).

NM_052813.5(CARD9):c.214G>A (p.Gly72Ser)

Gene: CARD9 (caspase recruitment domain family member 9; minus strand). Cytogenetic location: 9q34.3.
Variant type: single nucleotide variant.
Coding change: c.214G>A on transcript NM_052813.5 (MANE Select); coding-DNA position 214, G replaced by A.
Protein change: p.Gly72Ser; replaces glycine 72 with serine.
Molecular consequence: missense variant.
Genome position (GRCh38, 1-based): chr9:136,371,432, C>T on the plus strand (G>A on the coding strand, the complement: CARD9 is on the minus strand). VCF-style: chr9-136371432-C-T. GRCh37 (hg19) VCF-style: chr9-139265884-C-T.
Other names: c.214G>A, p.Gly72Ser (NM_052814.4); short protein forms G72S.
Identifiers: ClinVar variation 88850 (VCV000088850.12), dbSNP rs398122362, ClinGen allele CA145368.